The following is an entry in ClinVar:

ClinVar aggregate classification (germline): Uncertain significance (1 of 4 stars; one submission).

Submission:

Labcorp Genetics (formerly Invitae), Labcorp
Classification: Uncertain significance. Last evaluated: 2024-03-16. Review status: criteria provided, single submitter. Criteria: Invitae Variant Classification Sherloc (09022015). Collection method: clinical testing. Allele origin: germline.
Comment: This sequence change replaces valine, which is neutral and non-polar, with glutamic acid, which is acidic and polar, at codon 1260 of the PCDH15 protein (p.Val1260Glu). This variant is not present in population databases (gnomAD no frequency). This variant has not been reported in the literature in individuals affected with PCDH15-related conditions. Advanced modeling of protein sequence and biophysical properties (such as structural, functional, and spatial information, amino acid conservation, physicochemical variation, residue mobility, and thermodynamic stability) performed at Invitae indicates that this missense variant is expected to disrupt PCDH15 protein function with a positive predictive value of 80%. In summary, the available evidence is currently insufficient to determine the role of this variant in disease. Therefore, it has been classified as a Variant of Uncertain Significance.

NM_001384140.1(PCDH15):c.3779T>A (p.Val1260Glu)

Gene: PCDH15 (protocadherin related 15; minus strand). Cytogenetic location: 10q21.1.
Variant type: single nucleotide variant.
Coding change: c.3779T>A on transcript NM_001384140.1 (MANE Select); coding-DNA position 3779, T replaced by A.
Protein change: p.Val1260Glu; replaces valine 1260 with glutamic acid.
Molecular consequence: missense variant.
Genome position (GRCh38, 1-based): chr10:53,857,202, A>T on the plus strand (T>A on the coding strand, the complement: PCDH15 is on the minus strand). VCF-style: chr10-53857202-A-T. GRCh37 (hg19) VCF-style: chr10-55616962-A-T.
Other names: c.3794T>A, p.Val1265Glu (NM_001142763.2, NM_001142771.2); c.3779T>A, p.Val1260Glu (NM_001142764.2, NM_001142766.2, NM_001142770.3 and 4 more transcripts); c.3566T>A, p.Val1189Glu (NM_001142765.2); c.3668T>A, p.Val1223Glu (NM_001142767.2); c.3713T>A, p.Val1238Glu (NM_001142768.2, NM_001142773.2, NM_001354404.2); c.3815T>A, p.Val1272Glu (NM_001142769.4); c.3800T>A, p.Val1267Glu (NM_001354411.2); short protein forms V1272E, V1189E, V1223E, V1265E, V1238E, V1260E, V1267E.
Identifiers: ClinVar variation 3646423 (VCV003646423.2).